The following is an entry in ClinVar:

ClinVar aggregate classification (germline): Uncertain significance (1 of 4 stars; one submission).

Conditions:
Adams-Oliver syndrome 5 (AOS5). Identifiers: Orphanet 974, MedGen C4014970, MONDO:0014459, OMIM 616028.

Submission:

Labcorp Genetics (formerly Invitae), Labcorp
Classification: Uncertain significance for Adams-Oliver syndrome 5. Last evaluated: 2019-03-03. Review status: criteria provided, single submitter. Criteria: Invitae Variant Classification Sherloc (09022015). Collection method: clinical testing. Allele origin: germline.
Comment: This variant is not present in population databases (ExAC no frequency). In summary, the available evidence is currently insufficient to determine the role of this variant in disease. Therefore, it has been classified as a Variant of Uncertain Significance. Algorithms developed to predict the effect of missense changes on protein structure and function are either unavailable or do not agree on the potential impact of this missense change (SIFT: "Deleterious"; PolyPhen-2: "Probably Damaging"; Align-GVGD: "Class C0"). This sequence change replaces cysteine with phenylalanine at codon 600 of the NOTCH1 protein (p.Cys600Phe). The cysteine residue is highly conserved and there is a large physicochemical difference between cysteine and phenylalanine.

NM_017617.5(NOTCH1):c.1799G>T (p.Cys600Phe)

Gene: NOTCH1 (notch receptor 1; minus strand). Cytogenetic location: 9q34.3.
Variant type: single nucleotide variant.
Coding change: c.1799G>T on transcript NM_017617.5 (MANE Select); coding-DNA position 1799, G replaced by T.
Protein change: p.Cys600Phe; replaces cysteine 600 with phenylalanine.
Molecular consequence: missense variant.
Genome position (GRCh38, 1-based): chr9:136,515,587, C>A on the plus strand (G>T on the coding strand, the complement: NOTCH1 is on the minus strand). VCF-style: chr9-136515587-C-A. GRCh37 (hg19) VCF-style: chr9-139410039-C-A.
Other names: short protein forms C600F.
Identifiers: ClinVar variation 863121 (VCV000863121.9), dbSNP rs1843252800, ClinGen allele CA375559841.